The following is an entry in ClinVar:

ClinVar aggregate classification (germline): Uncertain significance (1 of 4 stars; one submission).

Submission:

Ambry Genetics
Classification: Uncertain significance. Last evaluated: 2022-11-08. Review status: criteria provided, single submitter. Criteria: Ambry Variant Classification Scheme 2023. Collection method: clinical testing. Allele origin: germline.
Comment: The c.2311G>A (p.G771S) alteration is located in exon (coding exon ) of the SH3RF3 gene. This alteration results from a G to A substitution at nucleotide position 2311, causing the glycine (G) at amino acid position 771 to be replaced by a serine (S). Based on insufficient or conflicting evidence, the clinical significance of this alteration remains unclear.

NM_001099289.3(SH3RF3):c.2311G>A (p.Gly771Ser)

Genes: RANBP2 (RAN binding protein 2; plus strand), SH3RF3 (SH3 domain containing ring finger 3; plus strand). Cytogenetic location: 2q13.
Variant type: single nucleotide variant.
Coding change: c.2311G>A on transcript NM_001099289.3 (MANE Select); coding-DNA position 2311, G replaced by A.
Protein change: p.Gly771Ser; replaces glycine 771 with serine.
Molecular consequence: missense variant.
Genome position (GRCh38, 1-based): chr2:109,490,767, G>A. VCF-style: chr2-109490767-G-A. GRCh37 (hg19) VCF-style: chr2-110107223-G-A.
Other names: short protein forms G771S.
Identifiers: ClinVar variation 2324187 (VCV002324187.2), dbSNP rs1473818734, ClinGen allele CA348067222.